The following is an entry in ClinVar:

NM_001292063.2(OTOG):c.2833C>A (p.Pro945Thr)

Gene: OTOG (otogelin; plus strand). Cytogenetic location: 11p15.1.
Variant type: single nucleotide variant.
Coding change: c.2833C>A on transcript NM_001292063.2 (MANE Select); coding-DNA position 2833, C replaced by A.
Protein change: p.Pro945Thr; replaces proline 945 with threonine.
Molecular consequence: missense variant.
Genome position (GRCh38, 1-based): chr11:17,586,547, C>A. VCF-style: chr11-17586547-C-A. GRCh37 (hg19) VCF-style: chr11-17608094-C-A.
Other names: c.2869C>A, p.Pro957Thr (NM_001277269.2); short protein forms P945T, P957T.
Identifiers: ClinVar variation 1706679 (VCV001706679.2), dbSNP rs986834856, ClinGen allele CA218457492.

ClinVar aggregate classification (germline): Uncertain significance (1 of 4 stars; one submission).

gnomAD v4.1: 6 of 1,436,258 alleles (0.00042%); highest among the groups gnomAD compares: African/African-American, 0.0088%; no homozygotes.

Submission:

GeneDx
Classification: Uncertain significance. Last evaluated: 2022-03-22. Review status: criteria provided, single submitter. Criteria: GeneDx Variant Classification Process June 2021. Collection method: clinical testing. Allele origin: germline. Affected: yes.
Comment: Not observed at significant frequency in large population cohorts (gnomAD); In silico analysis supports that this missense variant has a deleterious effect on protein structure/function; Has not been previously published as pathogenic or benign to our knowledge